The following is an entry in ClinVar:

NM_005633.4(SOS1):c.3952T>A (p.Ser1318Thr)

Gene: SOS1 (SOS Ras/Rac guanine nucleotide exchange factor 1; minus strand). Cytogenetic location: 2p22.1.
Variant type: single nucleotide variant.
Coding change: c.3952T>A on transcript NM_005633.4 (MANE Select); coding-DNA position 3952, T replaced by A.
Protein change: p.Ser1318Thr; replaces serine 1318 with threonine.
Molecular consequence: missense variant.
Genome position (GRCh38, 1-based): chr2:38,985,874, A>T on the plus strand (T>A on the coding strand, the complement: SOS1 is on the minus strand). VCF-style: chr2-38985874-A-T. GRCh37 (hg19) VCF-style: chr2-39213015-A-T.
Other names: c.3931T>A, p.Ser1311Thr (NM_001382394.1); c.3907T>A, p.Ser1303Thr (NM_001382395.1); short protein forms S1318T, S1303T, S1311T.
Identifiers: ClinVar variation 45371 (VCV000045371.9), dbSNP rs397517171, ClinGen allele CA136161.
Genomic context (GRCh38, chr2:38,985,874, plus strand): 5'-ACAGAGGAACTCAGGAAGAATGGGCATTCTCCAACAGTGGTGGTCCATCTCTGTGCATGG[A>T]TGGGTGTGTGTGCTCCCTTTTGTAAGTTTTTGGAGGGAGTTTAGGGATATGTTGAGAAGT-3'
Protein context (NP_005624.2, residues 1308-1328): KTYKREHTHP[Ser1318Thr]MHRDGPPLLE

ClinVar aggregate classification (germline): Uncertain significance. Review status: criteria provided, multiple submitters, no conflicts (2 of 4 stars). 3 submissions from 3 submitters: Uncertain significance (3). Last evaluated 2025-09-24.

Conditions:
RASopathy. Also called: Noonan spectrum disorder; rasopathies. Identifiers: Orphanet 536391, MedGen C5555857, MONDO:0021060.

Submissions (3):

Labcorp Genetics (formerly Invitae), Labcorp
Classification: Uncertain significance for RASopathy. Last evaluated: 2025-09-24. Review status: criteria provided, single submitter. Criteria: Invitae Variant Classification Sherloc (09022015). Collection method: clinical testing. Allele origin: germline.
Comment: This sequence change replaces serine, which is neutral and polar, with threonine, which is neutral and polar, at codon 1318 of the SOS1 protein (p.Ser1318Thr). This variant is not present in population databases (gnomAD no frequency). This variant has not been reported in the literature in individuals affected with SOS1-related conditions. ClinVar contains an entry for this variant (Variation ID: 45371). Invitae Evidence Modeling of protein sequence and biophysical properties (such as structural, functional, and spatial information, amino acid conservation, physicochemical variation, residue mobility, and thermodynamic stability) indicates that this missense variant is not expected to disrupt SOS1 protein function with a negative predictive value of 95%. In summary, the available evidence is currently insufficient to determine the role of this variant in disease. Therefore, it has been classified as a Variant of Uncertain Significance.

GeneDx
Classification: Uncertain significance. Last evaluated: 2022-08-02. Review status: criteria provided, single submitter. Criteria: GeneDx Variant Classification Process June 2021. Collection method: clinical testing. Allele origin: germline. Affected: yes.
Comment: Not observed at significant frequency in large population cohorts (gnomAD); Missense variants in this gene are often considered pathogenic (HGMD); In silico analysis supports that this missense variant does not alter protein structure/function; Has not been previously published as pathogenic or benign to our knowledge; This variant is associated with the following publications: (PMID: 29493581)

Laboratory for Molecular Medicine, Mass General Brigham Personalized Medicine
Classification: Uncertain significance. Last evaluated: 2009-05-11. Review status: criteria provided, single submitter. Criteria: LMM Criteria. Collection method: clinical testing. Allele origin: germline. Observed: 1 variant allele.